The following is an entry in ClinVar:

NM_006648.4(WNK2):c.1999C>G (p.Pro667Ala)

Gene: WNK2 (WNK lysine deficient protein kinase 2; plus strand). Cytogenetic location: 9q22.31.
Variant type: single nucleotide variant.
Coding change: c.1999C>G on transcript NM_006648.4 (MANE Select); coding-DNA position 1999, C replaced by G.
Protein change: p.Pro667Ala; replaces proline 667 with alanine.
Molecular consequence: missense variant.
Genome position (GRCh38, 1-based): chr9:93,253,047, C>G. VCF-style: chr9-93253047-C-G. GRCh37 (hg19) VCF-style: chr9-96015329-C-G.
Other names: c.1999C>G, p.Pro667Ala (NM_001282394.3); short protein forms P667A.
Identifiers: ClinVar variation 2515515 (VCV002515515.3), dbSNP rs865994207, ClinGen allele CA196384916.

ClinVar aggregate classification (germline): Uncertain significance (1 of 4 stars; one submission).

Allele frequency attached by ClinVar (database versions not stated): gnomAD 0.00004; TOPMed 0.00005.
gnomAD v4.1: 36 of 1,522,208 alleles (0.0024%); highest among the groups gnomAD compares: Non-Finnish European, 0.0031%; no homozygotes.

Submission:

Ambry Genetics
Classification: Uncertain significance. Last evaluated: 2024-10-05. Review status: criteria provided, single submitter. Criteria: Ambry Variant Classification Scheme 2023. Collection method: clinical testing. Allele origin: germline.
Comment: The p.P667A variant (also known as c.1999C>G), located in coding exon 8 of the WNK2 gene, results from a C to G substitution at nucleotide position 1999. The proline at codon 667 is replaced by alanine, an amino acid with highly similar properties. This amino acid position is conserved. In addition, this alteration is predicted to be tolerated by in silico analysis. Based on the available evidence, the clinical significance of this variant remains unclear.